The following is an entry in ClinVar:

NM_001128.6(AP1G1):c.1283C>T (p.Thr428Met)

Gene: AP1G1 (adaptor related protein complex 1 subunit gamma 1; minus strand). Cytogenetic location: 16q22.2.
Variant type: single nucleotide variant.
Coding change: c.1283C>T on transcript NM_001128.6 (MANE Select); coding-DNA position 1283, C replaced by T.
Protein change: p.Thr428Met; replaces threonine 428 with methionine.
Molecular consequence: missense variant.
Genome position (GRCh38, 1-based): chr16:71,753,834, G>A on the plus strand (C>T on the coding strand, the complement: AP1G1 is on the minus strand). VCF-style: chr16-71753834-G-A. GRCh37 (hg19) VCF-style: chr16-71787737-G-A.
Other names: c.1292C>T, p.Thr431Met (NM_001030007.2); c.1292C>T (NM_001030007.1); short protein forms T428M, T431M.
Identifiers: ClinVar variation 3629710 (VCV003629710.2).

ClinVar aggregate classification (germline): Conflicting classifications of pathogenicity. Review status: criteria provided, conflicting classifications (1 of 4 stars). 2 submissions from 2 submitters: Uncertain significance (1); Likely benign (1). Last evaluated 2025-12-10.

Conditions:
Inborn genetic diseases. Identifiers: MedGen C0950123, MeSH D030342.

gnomAD v4.1: 51 of 1,613,528 alleles (0.0032%); highest among the groups gnomAD compares: East Asian, 0.013%; no homozygotes.

Submissions (2):

Ambry Genetics
Classification: Likely benign for Inborn genetic diseases. Last evaluated: 2025-12-10. Review status: criteria provided, single submitter. Criteria: Ambry Variant Classification Scheme 2023. Collection method: clinical testing. Allele origin: germline.

Women's Health and Genetics/Laboratory Corporation of America, LabCorp
Classification: Uncertain significance. Last evaluated: 2024-11-11. Review status: criteria provided, single submitter. Criteria: LabCorp Variant Classification Summary - May 2015. Collection method: clinical testing. Allele origin: germline.
Comment: Variant summary: AP1G1 c.1292C>T (p.Thr431Met) results in a non-conservative amino acid change located in the Adaptin N terminal region (IPR002553) of the encoded protein sequence. Three of five in-silico tools predict a benign effect of the variant on protein function. Consensus agreement among computation tools predict no significant impact on normal splicing. However, these predictions have yet to be confirmed by functional studies. The variant allele was found at a frequency of 4.4e-05 in 251360 control chromosomes. This frequency is not significantly higher than estimated for a pathogenic variant in AP1G1 causing Usmani-Riazuddin Syndrome, Autosomal Recessive, allowing no conclusion about variant significance. To our knowledge, no occurrence of c.1292C>T in individuals affected with Usmani-Riazuddin Syndrome, Autosomal Recessive and no experimental evidence demonstrating its impact on protein function have been reported. No submitters have cited clinical-significance assessments for this variant to ClinVar. Based on the evidence outlined above, the variant was classified as uncertain significance.